The following is an entry in ClinVar:

ClinVar aggregate classification (germline): Uncertain significance (1 of 4 stars; one submission).

Conditions:
Autosomal recessive polycystic kidney disease (ARPKD). Also called: AR polycystic kidney disease. Identifiers: Orphanet 731, Orphanet 8378, MedGen C0085548, MeSH D017044, MONDO:0009889.

Submission:

Labcorp Genetics (formerly Invitae), Labcorp
Classification: Uncertain significance for Autosomal recessive polycystic kidney disease. Last evaluated: 2022-03-15. Review status: criteria provided, single submitter. Criteria: Invitae Variant Classification Sherloc (09022015). Collection method: clinical testing. Allele origin: germline.
Comment: This sequence change replaces alanine, which is neutral and non-polar, with asparagine, which is neutral and polar, at codon 1455 of the PKHD1 protein (p.Ala1455Asn). This variant is present in population databases (no rsID available, gnomAD 0.4%). This variant has not been reported in the literature in individuals affected with PKHD1-related conditions. ClinVar contains an entry for this variant (Variation ID: 1055903). Algorithms developed to predict the effect of missense changes on protein structure and function are either unavailable or do not agree on the potential impact of this missense change (SIFT: "Not Available"; PolyPhen-2: "Possibly Damaging"; Align-GVGD: "Not Available"). In summary, the available evidence is currently insufficient to determine the role of this variant in disease. Therefore, it has been classified as a Variant of Uncertain Significance.

NM_138694.4(PKHD1):c.4363_4364delinsAA (p.Ala1455Asn)

Gene: PKHD1 (PKHD1 ciliary IPT domain containing fibrocystin/polyductin; minus strand). Cytogenetic location: 6p12.2.
Variant type: Indel.
Coding change: c.4363_4364delinsAA on transcript NM_138694.4 (MANE Select); coding-DNA positions 4363 to 4364, GC replaced by AA.
Protein change: p.Ala1455Asn; replaces alanine 1455 with asparagine.
Molecular consequence: missense variant.
Genome position (GRCh38, 1-based): chr6:52,025,446-52,025,447, GC replaced by TT on the plus strand (GC replaced by AA on the coding strand, the reverse complement: PKHD1 is on the minus strand). VCF-style: chr6-52025446-GC-TT. GRCh37 (hg19) VCF-style: chr6-51890244-GC-TT.
Other names: c.4363_4364delinsAA, p.Ala1455Asn (NM_170724.3); short protein forms A1455N.
Identifiers: ClinVar variation 1055903 (VCV001055903.2), dbSNP rs2128144041, ClinGen allele CA2499218373.